The following is an entry in ClinVar:

ClinVar aggregate classification (germline): Uncertain significance (1 of 4 stars; one submission).

Conditions:
Emery-Dreifuss muscular dystrophy 5, autosomal dominant (EDMD5). Also called: EMERY-DREIFUSS MUSCULAR DYSTROPHY 5. Identifiers: Orphanet 261, MedGen C2751805, MONDO:0013072, OMIM 612999.

Submission:

Labcorp Genetics (formerly Invitae), Labcorp
Classification: Uncertain significance for Emery-Dreifuss muscular dystrophy 5, autosomal dominant. Last evaluated: 2021-06-08. Review status: criteria provided, single submitter. Criteria: Invitae Variant Classification Sherloc (09022015). Collection method: clinical testing. Allele origin: germline.
Comment: This sequence change replaces leucine with phenylalanine at codon 5447 of the SYNE2 protein (p.Leu5447Phe). The leucine residue is moderately conserved and there is a small physicochemical difference between leucine and phenylalanine. This variant is not present in population databases (ExAC no frequency). This variant has not been reported in the literature in individuals with SYNE2-related conditions. Algorithms developed to predict the effect of missense changes on protein structure and function (SIFT, PolyPhen-2, Align-GVGD) all suggest that this variant is likely to be tolerated, but these predictions have not been confirmed by published functional studies and their clinical significance is uncertain. In summary, the available evidence is currently insufficient to determine the role of this variant in disease. Therefore, it has been classified as a Variant of Uncertain Significance.

NM_182914.3(SYNE2):c.16339C>T (p.Leu5447Phe)

Gene: SYNE2 (spectrin repeat containing nuclear envelope protein 2; plus strand). Cytogenetic location: 14q23.2.
Variant type: single nucleotide variant.
Coding change: c.16339C>T on transcript NM_182914.3 (MANE Select); coding-DNA position 16339, C replaced by T.
Protein change: p.Leu5447Phe; replaces leucine 5447 with phenylalanine.
Molecular consequence: missense variant.
Genome position (GRCh38, 1-based): chr14:64,163,441, C>T. VCF-style: chr14-64163441-C-T. GRCh37 (hg19) VCF-style: chr14-64630159-C-T.
Other names: c.16339C>T, p.Leu5447Phe (NM_015180.6); short protein forms L5447F.
Identifiers: ClinVar variation 1482311 (VCV001482311.8), dbSNP rs2153717796, ClinGen allele CA389959626.
Genomic context (GRCh38, chr14:64,163,441, plus strand): 5'-CCATCCCTTTTTCTTCTGCAGGAGCTGCAGCATGATGTGCAGAAAACAAAAGAAGCCTTT[C>T]TCCAAAATTCCAGTGTCCTGGATCGACTCCCACAACCCGCAGAGTCCAGCACCCACATGC-3'
Protein context (NP_878918.2, residues 5437-5457): HDVQKTKEAF[Leu5447Phe]QNSSVLDRLP